The following is an entry in ClinVar:

ClinVar aggregate classification (germline): Uncertain significance (1 of 4 stars; one submission).

Conditions:
Asphyxiating thoracic dystrophy 5 (SRTD5). Also called: SHORT-RIB THORACIC DYSPLASIA 5 WITH OR WITHOUT POLYDACTYLY; SHORT-RIB THORACIC DYSPLASIA 5 WITHOUT POLYDACTYLY. Identifiers: Orphanet 474, MedGen C3280598, MONDO:0013717, OMIM 614376.
Senior-Loken syndrome 8 (SLSN8). Identifiers: Orphanet 3156, MedGen C4225376, MONDO:0014579, OMIM 616307.

Allele frequency attached by ClinVar (database versions not stated): gnomAD 0.00001; TOPMed 0.00001.
gnomAD v4.1: 1 of 1,611,940 alleles (0.000062%); highest among the groups gnomAD compares: African/African-American, 0.0013%; no homozygotes.

Submission:

Labcorp Genetics (formerly Invitae), Labcorp
Classification: Uncertain significance for Senior-Loken syndrome 8; Asphyxiating thoracic dystrophy 5. Last evaluated: 2021-08-27. Review status: criteria provided, single submitter. Criteria: Invitae Variant Classification Sherloc (09022015). Collection method: clinical testing. Allele origin: germline.
Comment: This sequence change replaces lysine with arginine at codon 978 of the WDR19 protein (p.Lys978Arg). The lysine residue is moderately conserved and there is a small physicochemical difference between lysine and arginine. This variant is not present in population databases (ExAC no frequency). This variant has not been reported in the literature in individuals affected with WDR19-related conditions. Algorithms developed to predict the effect of missense changes on protein structure and function (SIFT, PolyPhen-2, Align-GVGD) all suggest that this variant is likely to be tolerated. Algorithms developed to predict the effect of sequence changes on RNA splicing suggest that this variant may create or strengthen a splice site. In summary, the available evidence is currently insufficient to determine the role of this variant in disease. Therefore, it has been classified as a Variant of Uncertain Significance.

NM_025132.4(WDR19):c.2933A>G (p.Lys978Arg)

Gene: WDR19 (WD repeat domain 19; plus strand). Cytogenetic location: 4p14.
Variant type: single nucleotide variant.
Coding change: c.2933A>G on transcript NM_025132.4 (MANE Select); coding-DNA position 2933, A replaced by G.
Protein change: p.Lys978Arg; replaces lysine 978 with arginine.
Molecular consequence: missense variant.
Genome position (GRCh38, 1-based): chr4:39,253,962, A>G. VCF-style: chr4-39253962-A-G. GRCh37 (hg19) VCF-style: chr4-39255582-A-G.
Other names: c.2453A>G, p.Lys818Arg (NM_001317924.2); short protein forms K978R, K818R.
Identifiers: ClinVar variation 1464889 (VCV001464889.5), dbSNP rs1733508675, ClinGen allele CA356641839.
Genomic context (GRCh38, chr4:39,253,962, plus strand): 5'-TTAGGTTTTTTCTACAGCTTGGTGACTATGGGTCTGCCATCCAGTTTCTTGTCATGTCCA[A>G]ATGCAACAATGAAGCTTTCACACTGGCTCAGCAACACAACAAAATGGAAATCTATGCAGA-3'
Protein context (NP_079408.3, residues 968-988): GSAIQFLVMS[Lys978Arg]CNNEAFTLAQ